The following is an entry in ClinVar:

NM_006231.4(POLE):c.6281A>C (p.His2094Pro)

Gene: POLE (DNA polymerase epsilon, catalytic subunit; minus strand). Cytogenetic location: 12q24.33.
Variant type: single nucleotide variant.
Coding change: c.6281A>C on transcript NM_006231.4 (MANE Select); coding-DNA position 6281, A replaced by C.
Protein change: p.His2094Pro; replaces histidine 2094 with proline.
Molecular consequence: missense variant.
Genome position (GRCh38, 1-based): chr12:132,632,364, T>G on the plus strand (A>C on the coding strand, the complement: POLE is on the minus strand). VCF-style: chr12-132632364-T-G. GRCh37 (hg19) VCF-style: chr12-133208950-T-G.
Other names: short protein forms H2094P.
Identifiers: ClinVar variation 4805231 (VCV004805231.1).
Genomic context (GRCh38, chr12:132,632,364, plus strand): 5'-GGCACTCTCACCTTGCACACGTATTTGATGAACTCCAGGGCAGGGTTATTGAGCAGCAAG[T>G]GGGAACCGGGGAGGACAGGAAACATCTCTGAGAGCTCAGTGGAGTTCCGAGAGCCTGTGA-3'
Protein context (NP_006222.2, residues 2084-2104): SEMFPVLPGS[His2094Pro]LLLNNPALEF

ClinVar aggregate classification (germline): Uncertain significance (1 of 4 stars; one submission).

Submission:

Labcorp Genetics (formerly Invitae), Labcorp
Classification: Uncertain significance. Last evaluated: 2025-04-29. Review status: criteria provided, single submitter. Criteria: Invitae Variant Classification Sherloc (09022015). Collection method: clinical testing. Allele origin: germline.
Comment: This sequence change replaces histidine, which is basic and polar, with proline, which is neutral and non-polar, at codon 2094 of the POLE protein (p.His2094Pro). This variant is not present in population databases (gnomAD no frequency). This variant has not been reported in the literature in individuals affected with POLE-related conditions. Invitae Evidence Modeling of protein sequence and biophysical properties (such as structural, functional, and spatial information, amino acid conservation, physicochemical variation, residue mobility, and thermodynamic stability) indicates that this missense variant is not expected to disrupt POLE protein function with a negative predictive value of 80%. In summary, the available evidence is currently insufficient to determine the role of this variant in disease. Therefore, it has been classified as a Variant of Uncertain Significance.